The following is an entry in ClinVar:

ClinVar aggregate classification (germline): Uncertain significance (1 of 4 stars; one submission).

Allele frequency attached by ClinVar (database versions not stated): TOPMed 0.00001.

Submission:

Labcorp Genetics (formerly Invitae), Labcorp
Classification: Uncertain significance. Last evaluated: 2020-10-20. Review status: criteria provided, single submitter. Criteria: Invitae Variant Classification Sherloc (09022015). Collection method: clinical testing. Allele origin: germline.
Comment: In summary, the available evidence is currently insufficient to determine the role of this variant in disease. Therefore, it has been classified as a Variant of Uncertain Significance. Algorithms developed to predict the effect of missense changes on protein structure and function (SIFT, PolyPhen-2, Align-GVGD) all suggest that this variant is likely to be disruptive, but these predictions have not been confirmed by published functional studies and their clinical significance is uncertain. This variant has not been reported in the literature in individuals with SCLT1-related conditions. This variant is not present in population databases (ExAC no frequency). This sequence change replaces glutamic acid with alanine at codon 342 of the SCLT1 protein (p.Glu342Ala). The glutamic acid residue is highly conserved and there is a moderate physicochemical difference between glutamic acid and alanine.

NM_144643.4(SCLT1):c.1025A>C (p.Glu342Ala)

Gene: SCLT1 (sodium channel and clathrin linker 1; minus strand). Cytogenetic location: 4q28.2.
Variant type: single nucleotide variant.
Coding change: c.1025A>C on transcript NM_144643.4 (MANE Select); coding-DNA position 1025, A replaced by C.
Protein change: p.Glu342Ala; replaces glutamic acid 342 with alanine.
Molecular consequence: missense variant.
Genome position (GRCh38, 1-based): chr4:128,959,622, T>G on the plus strand (A>C on the coding strand, the complement: SCLT1 is on the minus strand). VCF-style: chr4-128959622-T-G. GRCh37 (hg19) VCF-style: chr4-129880777-T-G.
Other names: short protein forms E342A.
Identifiers: ClinVar variation 1062303 (VCV001062303.9), dbSNP rs1739509482, ClinGen allele CA358188615.